The following is an entry in ClinVar:

NM_005591.4(MRE11):c.289C>G (p.Gln97Glu)

Gene: MRE11 (MRE11 double strand break repair nuclease; minus strand). Cytogenetic location: 11q21.
Variant type: single nucleotide variant.
Coding change: c.289C>G on transcript NM_005591.4 (MANE Select); coding-DNA position 289, C replaced by G.
Protein change: p.Gln97Glu; replaces glutamine 97 with glutamic acid.
Molecular consequence: missense variant.
Genome position (GRCh38, 1-based): chr11:94,485,949, G>C on the plus strand (C>G on the coding strand, the complement: MRE11 is on the minus strand). VCF-style: chr11-94485949-G-C. GRCh37 (hg19) VCF-style: chr11-94219115-G-C.
Other names: c.289C>G, p.Gln97Glu (NM_001330347.2, NM_005590.4); short protein forms Q97E.
Identifiers: ClinVar variation 1799872 (VCV001799872.2), dbSNP rs2496618984, ClinGen allele CA382379460.

ClinVar aggregate classification (germline): Uncertain significance (1 of 4 stars; one submission).

Conditions:
Hereditary cancer-predisposing syndrome. Also called: Neoplastic Syndromes, Hereditary; Tumor predisposition; Hereditary Cancer Syndrome; Hereditary neoplastic syndrome. Identifiers: Orphanet 140162, MedGen C0027672, MeSH D009386, MONDO:0015356.

Submission:

Ambry Genetics
Classification: Uncertain significance for Hereditary cancer-predisposing syndrome. Last evaluated: 2021-09-15. Review status: criteria provided, single submitter. Criteria: Ambry Variant Classification Scheme 2023. Collection method: clinical testing. Allele origin: germline.
Comment: The p.Q97E variant (also known as c.289C>G), located in coding exon 3 of the MRE11A gene, results from a C to G substitution at nucleotide position 289. The glutamine at codon 97 is replaced by glutamic acid, an amino acid with highly similar properties. This amino acid position is conserved. In addition, the in silico prediction for this alteration is inconclusive. Since supporting evidence is limited at this time, the clinical significance of this alteration remains unclear.